The following is an entry in ClinVar:

ClinVar aggregate classification (germline): Uncertain significance (1 of 4 stars; one submission).

Conditions:
Kabuki syndrome. Also called: Kabuki make-up syndrome; NIIKAWA-KUROKI SYNDROME. Identifiers: Orphanet 2322, MedGen C0796004, MONDO:0016512.

Submission:

Labcorp Genetics (formerly Invitae), Labcorp
Classification: Uncertain significance for Kabuki syndrome. Last evaluated: 2022-02-10. Review status: criteria provided, single submitter. Criteria: Invitae Variant Classification Sherloc (09022015). Collection method: clinical testing. Allele origin: germline.
Comment: In summary, the available evidence is currently insufficient to determine the role of this variant in disease. Therefore, it has been classified as a Variant of Uncertain Significance. Variants that disrupt the consensus splice site are a relatively common cause of aberrant splicing (PMID: 17576681, 9536098). Algorithms developed to predict the effect of sequence changes on RNA splicing suggest that this variant may disrupt the consensus splice site. This variant has not been reported in the literature in individuals affected with KMT2D-related conditions. This variant is not present in population databases (gnomAD no frequency). This sequence change falls in intron 35 of the KMT2D gene. It does not directly change the encoded amino acid sequence of the KMT2D protein. It affects a nucleotide within the consensus splice site.

Literature cited by the submitters: PubMed 17576681; PubMed 9536098.

NM_003482.4(KMT2D):c.10355+5_10355+6del

Gene: KMT2D (lysine methyltransferase 2D; minus strand). Cytogenetic location: 12q13.12.
Variant type: Deletion.
Coding change: c.10355+5_10355+6del on transcript NM_003482.4 (MANE Select); bases 5 to 6 of the intron after coding-DNA position 10355, 2 bases deleted (GA; older notation c.10355+5_10355+6delGA).
Molecular consequence: intron variant.
Genome position (GRCh38, 1-based): chr12:49,034,806-49,034,807, TC deleted on the plus strand (GA on the coding strand, the reverse complement: KMT2D is on the minus strand); deleting any 2 consecutive bases within chr12:49,034,806-49,034,808 gives the same sequence; the c. name uses the placement nearest the transcript's 3' end. VCF-style (leftmost placement, unchanged base first): chr12-49034805-GTC-G. GRCh37 (hg19) VCF-style: chr12-49428588-GTC-G.
Identifiers: ClinVar variation 1478742 (VCV001478742.6), dbSNP rs2120460134, ClinGen allele CA2573148681.